The following is an entry in ClinVar:

ClinVar aggregate classification (germline): Uncertain significance (1 of 4 stars; one submission).

Submission:

Dasa
Classification: Uncertain significance. Last evaluated: 2024-06-12. Review status: criteria provided, single submitter. Criteria: DASA Assertion Criteria. Collection method: clinical testing. Allele origin: germline.
Comment: NM_015335.5(MED13L):c.5207T>C (p.Met1736Thr) is a missense variant that results in the substitution of methionine with threonine. This variant is rare in population databases. Computational prediction algorithms are consistent with a benign effect. The currently available literature and clinical evidence are not sufficient to establish a definitive association between this variant and the reported condition. Therefore, this variant is classified as a variant of uncertain significance.

NM_015335.5(MED13L):c.5207T>C (p.Met1736Thr)

Gene: MED13L (mediator complex subunit 13L; minus strand). Cytogenetic location: 12q24.21.
Variant type: single nucleotide variant.
Coding change: c.5207T>C on transcript NM_015335.5 (MANE Select); coding-DNA position 5207, T replaced by C.
Protein change: p.Met1736Thr; replaces methionine 1736 with threonine.
Molecular consequence: missense variant.
Genome position (GRCh38, 1-based): chr12:115,980,907, A>G on the plus strand (T>C on the coding strand, the complement: MED13L is on the minus strand). VCF-style: chr12-115980907-A-G. GRCh37 (hg19) VCF-style: chr12-116418712-A-G.
Other names: short protein forms M1736T.
Identifiers: ClinVar variation 4882859 (VCV004882859.2).